The following is an entry in ClinVar:

ClinVar aggregate classification (germline): Uncertain significance (1 of 4 stars; one submission).

Conditions:
Hereditary cancer-predisposing syndrome. Also called: Neoplastic Syndromes, Hereditary; Tumor predisposition; Hereditary neoplastic syndrome; Hereditary Cancer Syndrome. Identifiers: Orphanet 140162, MedGen C0027672, MeSH D009386, MONDO:0015356.

Submission:

Umrani?ye Training and Research Hospital
Classification: Uncertain significance for Hereditary cancer-predisposing syndrome. Last evaluated: 2026-09-12. Review status: criteria provided, single submitter. Criteria: ACMG Guidelines, 2015. Collection method: clinical testing. Allele origin: germline. Affected: yes. Observed: 1 variant allele.
Comment: Reassessed 2026-09-12 under ACMG/AMP 2015 with ClinGen SVI recommendations. Criteria met: PM2_Supporting, PP3_Moderate. Not met: PM1, PP2, PM5, PP4. gnomAD v4.1: Absent.

NM_001042492.3(NF1):c.5680G>A (p.Glu1894Lys)

Gene: NF1 (neurofibromin 1; plus strand). Cytogenetic location: 17q11.2.
Variant type: single nucleotide variant.
Coding change: c.5680G>A on transcript NM_001042492.3 (MANE Select); coding-DNA position 5680, G replaced by A.
Protein change: p.Glu1894Lys; replaces glutamic acid 1894 with lysine.
Molecular consequence: missense variant.
Genome position (GRCh38, 1-based): chr17:31,330,366, G>A. VCF-style: chr17-31330366-G-A. GRCh37 (hg19) VCF-style: chr17-29657384-G-A.
Other names: NM_001042492.3:c.5680G>A (p.Glu1894Lys); c.5617G>A, p.Glu1873Lys (NM_000267.4); short protein forms E1873K, E1894K.
Identifiers: ClinVar variation 4975023 (VCV004975023.1).